The following is an entry in ClinVar:

NM_000044.6(AR):c.1536G>A (p.Val512=)

Gene: AR (androgen receptor; plus strand). Cytogenetic location: Xq12.
Variant type: single nucleotide variant.
Coding change: c.1536G>A on transcript NM_000044.6 (MANE Select); coding-DNA position 1536, G replaced by A.
Protein change: p.Val512=; no amino-acid change (valine 512 retained).
Molecular consequence: synonymous variant. On other transcripts: 5 prime UTR variant (1).
Genome position (GRCh38, 1-based): chrX:67,546,682, G>A. VCF-style: chrX-67546682-G-A. GRCh37 (hg19) VCF-style: chrX-66766524-G-A.
Other names: c.-248G>A (NM_001011645.3); c.1536G>A, p.Val512= (NM_001348061.1, NM_001348063.1, NM_001348064.1).
Identifiers: ClinVar variation 464790 (VCV000464790.14), dbSNP rs150545747, ClinGen allele CA10436454.
Genomic context (GRCh38, chrX:67,546,682, plus strand): 5'-CCAGGAAAGCGACTTCACCGCACCTGATGTGTGGTACCCTGGCGGCATGGTGAGCAGAGT[G>A]CCCTATCCCAGTCCCACTTGTGTCAAAAGCGAAATGGGCCCCTGGATGGATAGCTACTCC-3'
Protein context (NP_000035.2, residues 502-522): VWYPGGMVSR[Val512=]PYPSPTCVKS

ClinVar aggregate classification (germline): Benign/Likely benign. Review status: criteria provided, multiple submitters, no conflicts (2 of 4 stars). 4 submissions from 4 submitters: Benign (1); Likely benign (2). 1 of the submissions does not count toward it. Last evaluated 2026-01-08.

Conditions:
Androgen resistance syndrome (AIS). Also called: ANDROGEN RECEPTOR DEFICIENCY; DIHYDROTESTOSTERONE RECEPTOR DEFICIENCY; Androgen insensitivity syndrome; TESTICULAR FEMINIZATION SYNDROME; Androgen insensitivity; Androgen insensitivity syndrome due to coactivator deficiency. Identifiers: Orphanet 754, Orphanet 99429, MedGen C0039585, MONDO:0019154, OMIM 300068. Disease mechanism: loss of function.
Kennedy disease (SMAX1). Also called: SPINAL AND BULBAR MUSCULAR ATROPHY, X-LINKED 1; Spinal and Bulbar Muscular Atrophy; KENNEDY SPINAL AND BULBAR MUSCULAR ATROPHY. Identifiers: Orphanet 481, MedGen C1839259, MONDO:0010735, OMIM 313200.
Inborn genetic diseases. Identifiers: MedGen C0950123, MeSH D030342.
AR-related disorder. Also called: AR-related condition.

Allele frequency attached by ClinVar (database versions not stated): TOPMed 0.00046; gnomAD 0.00056 and 0.00059; ExAC 0.00087; ESP Exome Variant Server 0.00095.
gnomAD v4.1: 893 of 1,206,231 alleles (0.074%); highest among the groups gnomAD compares: Non-Finnish European, 0.097%; no homozygotes.

Submissions (4):

Labcorp Genetics (formerly Invitae), Labcorp
Classification: Benign for Kennedy disease; Androgen resistance syndrome. Last evaluated: 2026-01-08. Review status: criteria provided, single submitter. Criteria: Invitae Variant Classification Sherloc (09022015). Collection method: clinical testing. Allele origin: germline.

Ambry Genetics
Classification: Likely benign for Inborn genetic diseases. Last evaluated: 2024-01-02. Review status: criteria provided, single submitter. Criteria: Ambry Variant Classification Scheme 2023. Collection method: clinical testing. Allele origin: germline.

GeneDx
Classification: Likely benign. Last evaluated: 2018-08-10. Review status: criteria provided, single submitter. Criteria: GeneDx Variant Classification Process June 2021. Collection method: clinical testing. Allele origin: germline. Affected: yes.

PreventionGenetics, part of Exact Sciences
Classification: Likely benign for AR-related condition. Last evaluated: 2019-10-30. Review status: no assertion criteria provided. Collection method: clinical testing. Allele origin: germline. Not counted in ClinVar's aggregate classification.
Comment: This variant is classified as likely benign based on ACMG/AMP sequence variant interpretation guidelines (Richards et al. 2015 PMID: 25741868, with internal and published modifications).